The following is an entry in ClinVar:

ClinVar aggregate classification (germline): Benign. Review status: criteria provided, multiple submitters, no conflicts (2 of 4 stars). 8 submissions from 8 submitters: Benign (3). 5 of the submissions do not count toward it. Last evaluated 2026-02-03.

Conditions:
Occipital pachygyria and polymicrogyria. Identifiers: Orphanet 280640, MedGen C3279875, MONDO:0013583, OMIM 614115.

Allele frequency attached by ClinVar (database versions not stated): 1000 Genomes Project 30x 0.00578; 1000 Genomes Project 0.00619; gnomAD 0.00975; TOPMed 0.01038; gnomAD exomes 0.01136 and 0.01363; ExAC 0.01142; ESP Exome Variant Server 0.01192.
gnomAD v4.1: 21,473 of 1,614,162 alleles (1.3%); highest among the groups gnomAD compares: Middle Eastern, 2.5%; 181 homozygotes.

Submissions (8):

Labcorp Genetics (formerly Invitae), Labcorp
Classification: Benign. Last evaluated: 2026-02-03. Review status: criteria provided, single submitter. Criteria: Invitae Variant Classification Sherloc (09022015). Collection method: clinical testing. Allele origin: germline.

GeneDx
Classification: Benign. Last evaluated: 2016-05-03. Review status: criteria provided, single submitter. Criteria: GeneDx Variant Classification (06012015). Collection method: clinical testing. Allele origin: germline. Affected: yes.
Comment: This variant is considered likely benign or benign based on one or more of the following criteria: it is a conservative change, it occurs at a poorly conserved position in the protein, it is predicted to be benign by multiple in silico algorithms, and/or has population frequency not consistent with disease.

Breakthrough Genomics
Classification: Benign. Review status: criteria provided, single submitter. Criteria: ACMG Guidelines, 2015. Collection method: not provided. Allele origin: germline. Inheritance: Autosomal recessive inheritance. Affected: yes.

Clinical Genetics DNA and cytogenetics Diagnostics Lab, Erasmus MC, Erasmus Medical Center
Classification: Benign. Review status: no assertion criteria provided. Collection method: clinical testing. Allele origin: germline. Affected: yes. Study: VKGL Data-share Consensus. Not counted in ClinVar's aggregate classification.

Diagnostic Laboratory, Department of Genetics, University Medical Center Groningen
Classification: Benign for Occipital pachygyria and polymicrogyria. Review status: no assertion criteria provided. Collection method: clinical testing. Allele origin: germline. Affected: yes. Study: VKGL Data-share Consensus. Not counted in ClinVar's aggregate classification.

Genetic Services Laboratory, University of Chicago
Classification: Likely benign for AllHighlyPenetrant. Review status: no assertion criteria provided. Collection method: clinical testing. Allele origin: germline. Inheritance: X-linked inheritance. Not counted in ClinVar's aggregate classification.
Comment: Likely benign based on allele frequency in 1000 Genomes Project or ESP global frequency and its presence in a patient with a rare or unrelated disease phenotype. NOT Sanger confirmed.

Genome Diagnostics Laboratory, Amsterdam University Medical Center
Classification: Benign. Review status: no assertion criteria provided. Collection method: clinical testing. Allele origin: germline. Affected: yes. Study: VKGL Data-share Consensus. Not counted in ClinVar's aggregate classification.

Genome Diagnostics Laboratory, University Medical Center Utrecht
Classification: Likely benign. Review status: no assertion criteria provided. Collection method: clinical testing. Allele origin: germline. Affected: yes. Study: VKGL Data-share Consensus. Not counted in ClinVar's aggregate classification.

NM_006059.4(LAMC3):c.454C>T (p.Arg152Cys)

Gene: LAMC3 (laminin subunit gamma 3; plus strand). Cytogenetic location: 9q34.12.
Variant type: single nucleotide variant.
Coding change: c.454C>T on transcript NM_006059.4 (MANE Select); coding-DNA position 454, C replaced by T.
Protein change: p.Arg152Cys; replaces arginine 152 with cysteine.
Molecular consequence: missense variant.
Genome position (GRCh38, 1-based): chr9:131,026,365, C>T. VCF-style: chr9-131026365-C-T. GRCh37 (hg19) VCF-style: chr9-133901752-C-T.
Other names: short protein forms R152C.
Identifiers: ClinVar variation 129468 (VCV000129468.17), dbSNP rs45628035, ClinGen allele CA153502.
Genomic context (GRCh38, chr9:131,026,365, plus strand): 5'-TATGTGAGGCTGAAGTTCCACACCAGTCGCCCTGAGAGCTTTGCCATCTACAAGCGCAGC[C>T]GCGCCGACGGCCCATGGGAGCCCTACCAGTTCTACAGCGCCTCCTGCCAGAAGACCTACG-3'
Protein context (NP_006050.3, residues 142-162): PESFAIYKRS[Arg152Cys]ADGPWEPYQF